The following is an entry in ClinVar:

NC_000023.10:g.(?_31697472)_(31854956_?)dup

Gene: DMD (dystrophin; minus strand). Cytogenetic location: Xp21.1.
Variant type: Duplication.
Identifiers: ClinVar variation 2424978 (VCV002424978.5).

ClinVar aggregate classification (germline): Uncertain significance (1 of 4 stars; one submission).

Conditions:
Duchenne muscular dystrophy (DMD). Also called: Duchenne Muscular Dystrophy (DMD); MUSCULAR DYSTROPHY, PSEUDOHYPERTROPHIC PROGRESSIVE, DUCHENNE TYPE. Identifiers: Orphanet 98896, MedGen C0013264, MONDO:0010679, OMIM 310200.

Submission:

Labcorp Genetics (formerly Invitae), Labcorp
Classification: Uncertain significance for Duchenne muscular dystrophy. Last evaluated: 2022-03-12. Review status: criteria provided, single submitter. Criteria: Invitae Variant Classification Sherloc (09022015). Collection method: clinical testing. Allele origin: germline.
Comment: In summary, the available evidence is currently insufficient to determine the role of this variant in disease. Therefore, it has been classified as a Variant of Uncertain Significance. Experimental studies and prediction algorithms are not available or were not evaluated, and the functional significance of this variant is currently unknown. This variant has not been reported in the literature in individuals affected with DMD-related conditions. This variant results in a copy number gain of the genomic region encompassing exon(s) 49-53 of the DMD gene. While the exact position of this variant cannot be determined from the data, sub-genic copy number gains are generally in tandem (PMID: 25640679). This variant is predicted to be in-frame, and likely preserves the integrity of the reading frame.

Literature cited by the submitters: PubMed 25640679.